The following is an entry in ClinVar:

NM_001394062.1(MACF1):c.2984_2985del (p.Phe995fs)

Gene: MACF1 (microtubule actin crosslinking factor 1; plus strand). Cytogenetic location: 1p34.3.
Variant type: Deletion.
Coding change: c.2984_2985del on transcript NM_001394062.1 (MANE Select); coding-DNA positions 2984 to 2985, 2 bases deleted (TT; older notation c.2984_2985delTT).
Protein change: p.Phe995fs; shifts the reading frame from phenylalanine 995.
Molecular consequence: frameshift variant.
Genome position (GRCh38, 1-based): chr1:39,310,312-39,310,313, TT deleted; deleting any 2 consecutive bases within chr1:39,310,311-39,310,313 gives the same sequence; the c. name uses the placement nearest the transcript's 3' end. VCF-style (leftmost placement, unchanged base first): chr1-39310310-CTT-C. GRCh37 (hg19) VCF-style: chr1-39775982-CTT-C.
Other names: c.2999_3000del, p.Phe1000fs (NM_012090.5); short protein forms F1000fs, F995fs.
Identifiers: ClinVar variation 3656501 (VCV003656501.2).

ClinVar aggregate classification (germline): Uncertain significance (1 of 4 stars; one submission).

Submission:

Labcorp Genetics (formerly Invitae), Labcorp
Classification: Uncertain significance. Last evaluated: 2024-06-12. Review status: criteria provided, single submitter. Criteria: Invitae Variant Classification Sherloc (09022015). Collection method: clinical testing. Allele origin: germline.
Comment: This sequence change creates a premature translational stop signal (p.Phe1000Serfs*4) in the MACF1 gene. It is expected to result in an absent or disrupted protein product. However, the current clinical and genetic evidence is not sufficient to establish whether loss-of-function variants in MACF1 cause disease. This variant is not present in population databases (gnomAD no frequency). This variant has not been reported in the literature in individuals affected with MACF1-related conditions. In summary, the available evidence is currently insufficient to determine the role of this variant in disease. Therefore, it has been classified as a Variant of Uncertain Significance.